The following is an entry in ClinVar:

NM_000187.4(HGD):c.1221G>A (p.Ala407=)

Gene: HGD (homogentisate 1,2-dioxygenase; minus strand). Cytogenetic location: 3q13.33.
Variant type: single nucleotide variant.
Coding change: c.1221G>A on transcript NM_000187.4 (MANE Select); coding-DNA position 1221, G replaced by A.
Protein change: p.Ala407=; no amino-acid change (alanine 407 retained).
Molecular consequence: synonymous variant.
Genome position (GRCh38, 1-based): chr3:120,628,497, C>T on the plus strand (G>A on the coding strand, the complement: HGD is on the minus strand). VCF-style: chr3-120628497-C-T. GRCh37 (hg19) VCF-style: chr3-120347344-C-T.
Identifiers: ClinVar variation 342735 (VCV000342735.17), dbSNP rs146206905, ClinGen allele CA2559926.

ClinVar aggregate classification (germline): Benign/Likely benign. Review status: criteria provided, multiple submitters, no conflicts (2 of 4 stars). 4 submissions from 4 submitters: Benign (1); Likely benign (2). 1 of the submissions does not count toward it. Last evaluated 2026-01-14.

Conditions:
Alkaptonuria (AKU). Also called: Alcaptonuria; Homogentisic acidura; HOMOGENTISIC ACID OXIDASE DEFICIENCY; Alkaptonuric ochronosis. Identifiers: Orphanet 56, MedGen C0002066, MONDO:0008753, OMIM 203500.

Allele frequency attached by ClinVar (database versions not stated): ESP Exome Variant Server 0.01808; 1000 Genomes Project 30x 0.01921; gnomAD exomes 0.00179 and 0.00438; ExAC 0.00543; gnomAD 0.01521 and 0.01639; 1000 Genomes Project 0.01757; TOPMed 0.01770.
gnomAD v4.1: 5,020 of 1,613,930 alleles (0.31%); highest among the groups gnomAD compares: African/African-American, 5.4%; 128 homozygotes.

Submissions (4):

Labcorp Genetics (formerly Invitae), Labcorp
Classification: Benign for Alkaptonuria. Last evaluated: 2026-01-14. Review status: criteria provided, single submitter. Criteria: Invitae Variant Classification Sherloc (09022015). Collection method: clinical testing. Allele origin: germline.

Illumina Laboratory Services, Illumina
Classification: Likely benign for Alkaptonuria. Last evaluated: 2017-04-27. Review status: criteria provided, single submitter. Criteria: ICSL Variant Classification Criteria 13 December 2019. Collection method: clinical testing. Allele origin: germline.
Comment: This variant was observed as part of a predisposition screen in an ostensibly healthy population. A literature search was performed for the gene, cDNA change, and amino acid change (where applicable). Publications were found based on this search. The evidence from the literature, in combination with allele frequency data from public databases where available, was sufficient to determine this variant is unlikely to cause disease. Therefore, this variant is classified as likely benign.

Breakthrough Genomics
Classification: Likely benign. Review status: criteria provided, single submitter. Criteria: ACMG Guidelines, 2015. Collection method: not provided. Allele origin: germline. Inheritance: Autosomal recessive inheritance. Affected: yes.

Department Of Human Genetics, Institute Of Clinical And Translational Research, Biomedical Research Center, Slovak Academy Of Sciences
Classification: Pathogenic for Alkaptonuria. Review status: no assertion criteria provided. Collection method: research. Allele origin: germline. Inheritance: Autosomal recessive inheritance. Affected: yes. Observed: 1 variant allele. Not counted in ClinVar's aggregate classification.
Comment: The variant was originally described in AKU patient in PMID:16085442, as a silent variant affecting splicing. It has been submitted to the HGD gene mutation database (DB-ID: AKU_00103).

Literature cited by the submitters: PubMed 16085442 (cited by Illumina Laboratory Services, Illumina and Department Of Human Genetics, Institute Of Clinical And Translational Research, Biomedical Research Center, Slovak Academy Of Sciences).